The following is an entry in ClinVar:

ClinVar aggregate classification (germline): Benign. Review status: criteria provided, multiple submitters, no conflicts (2 of 4 stars). 2 submissions from 2 submitters: Benign (2). Last evaluated 2018-06-19.

Allele frequency attached by ClinVar (database versions not stated): gnomAD exomes 0.12126 and 0.15849; gnomAD 0.11505 and 0.11689; ExAC 0.12113; TOPMed 0.11594; 1000 Genomes Project 0.06410; ESP Exome Variant Server 0.12914.
gnomAD v4.1: 248,726 of 1,613,602 alleles (15%); highest among the groups gnomAD compares: Middle Eastern, 23%; 21,558 homozygotes.

Submissions (3):

GeneDx
Classification: Benign. Last evaluated: 2018-06-19. Review status: criteria provided, single submitter. Criteria: GeneDx Variant Classification (06012015). Collection method: clinical testing. Allele origin: germline. Affected: yes.
Comment: This variant is considered likely benign or benign based on one or more of the following criteria: it is a conservative change, it occurs at a poorly conserved position in the protein, it is predicted to be benign by multiple in silico algorithms, and/or has population frequency not consistent with disease.

Breakthrough Genomics
Classification: Benign. Review status: criteria provided, single submitter. Criteria: ACMG Guidelines, 2015. Collection method: not provided. Allele origin: germline. Inheritance: Autosomal recessive inheritance. Affected: yes.

Dr. Peter K. Rogan Lab, Western University
No classification provided (evidence only). Condition: Malignant lymphoma, large B-cell, diffuse. Review status: no classification provided. Collection method: in vitro. Allele origin: not applicable. Functional consequence: retained intron. Not counted in ClinVar's aggregate classification.

NM_004320.6(ATP2A1):c.2610+40G>A

Gene: ATP2A1 (ATPase sarcoplasmic/endoplasmic reticulum Ca2+ transporting 1; plus strand). Cytogenetic location: 16p11.2.
Variant type: single nucleotide variant.
Coding change: c.2610+40G>A on transcript NM_004320.6 (MANE Select); 40 bases into the intron after coding-DNA position 2610, G replaced by A.
Molecular consequence: intron variant.
Genome position (GRCh38, 1-based): chr16:28,902,705, G>A. VCF-style: chr16-28902705-G-A. GRCh37 (hg19) VCF-style: chr16-28914026-G-A.
Other names: NC_000016.9:g.28914026G>A; c.2610+40G>A (NM_173201.5); c.2235+40G>A (NM_001286075.2).
Identifiers: ClinVar variation 680016 (VCV000680016.3), dbSNP rs41292394, ClinGen allele CA7987323.